The following is an entry in ClinVar:

ClinVar aggregate classification (germline): Benign/Likely benign. Review status: criteria provided, multiple submitters, no conflicts (2 of 4 stars). 3 submissions from 3 submitters: Benign (2); Likely benign (1). Last evaluated 2023-04-01.

Allele frequency attached by ClinVar (database versions not stated): 1000 Genomes Project 0.00240; 1000 Genomes Project 30x 0.00281; ExAC 0.00296; TOPMed 0.00330; gnomAD exomes 0.00333 and 0.00445; gnomAD 0.00342 and 0.00348; ESP Exome Variant Server 0.00400.
gnomAD v4.1: 7,060 of 1,614,138 alleles (0.44%); highest among the groups gnomAD compares: Middle Eastern, 1.6%; 32 homozygotes.

Submissions (3):

CeGaT Center for Human Genetics Tuebingen
Classification: Likely benign. Last evaluated: 2023-04-01. Review status: criteria provided, single submitter. Criteria: CeGaT Center For Human Genetics Tuebingen Variant Classification Criteria Version 2. Collection method: clinical testing. Allele origin: germline. Affected: yes. Observed: 2 variant alleles.
Comment: AKAP13: BP4, BP7, BS2

Labcorp Genetics (formerly Invitae), Labcorp
Classification: Benign. Last evaluated: 2018-01-11. Review status: criteria provided, single submitter. Criteria: Invitae Variant Classification Sherloc (09022015). Collection method: clinical testing. Allele origin: germline.

Breakthrough Genomics
Classification: Benign. Review status: criteria provided, single submitter. Criteria: ACMG Guidelines, 2015. Collection method: not provided. Allele origin: germline. Inheritance: Unknown mechanism. Affected: yes.

NM_007200.5(AKAP13):c.6078G>A (p.Ala2026=)

Gene: AKAP13 (A-kinase anchoring protein 13; plus strand). Cytogenetic location: 15q25.3.
Variant type: single nucleotide variant.
Coding change: c.6078G>A on transcript NM_007200.5 (MANE Select); coding-DNA position 6078, G replaced by A.
Protein change: p.Ala2026=; no amino-acid change (alanine 2026 retained).
Molecular consequence: synonymous variant.
Genome position (GRCh38, 1-based): chr15:85,719,152, G>A. VCF-style: chr15-85719152-G-A. GRCh37 (hg19) VCF-style: chr15-86262383-G-A.
Other names: c.1941G>A, p.Ala647= (NM_001270546.1); c.6090G>A, p.Ala2030= (NM_006738.6).
Identifiers: ClinVar variation 789532 (VCV000789532.28), dbSNP rs79991499, ClinGen allele CA7713741.